The following is an entry in ClinVar:

ClinVar aggregate classification (germline): Benign/Likely benign. Review status: criteria provided, multiple submitters, no conflicts (2 of 4 stars). 4 submissions from 4 submitters: Benign (2); Likely benign (2). Last evaluated 2026-01-07.

Conditions:
Familial isolated arrhythmogenic right ventricular dysplasia. Identifiers: Orphanet 217656, MedGen C4274968, MONDO:0016342.
Cardiomyopathy (CMYO). Also called: Cardiomyopathies. Identifiers: Orphanet 167848, MedGen C0878544, MONDO:0004994, HP:0001638. Inheritance: Various modes of inheritance.
Arrhythmogenic right ventricular dysplasia 11. Also called: ARRHYTHMOGENIC RIGHT VENTRICULAR DYSPLASIA, FAMILIAL, 11; Arrhythmogenic Right Ventricular Dysplasia/Cardiomyopathy11; Arrhythmogenic right ventricular dysplasia 11 with mild palmoplantar keratoderma and woolly hair. Identifiers: MedGen C1864850, MONDO:0012506, OMIM 610476.

Submissions (4):

Labcorp Genetics (formerly Invitae), Labcorp
Classification: Benign for Arrhythmogenic right ventricular dysplasia 11. Last evaluated: 2026-01-07. Review status: criteria provided, single submitter. Criteria: Invitae Variant Classification Sherloc (09022015). Collection method: clinical testing. Allele origin: germline.

Women's Health and Genetics/Laboratory Corporation of America, LabCorp
Classification: Benign. Last evaluated: 2024-12-19. Review status: criteria provided, single submitter. Criteria: LabCorp Variant Classification Summary - May 2015. Collection method: clinical testing. Allele origin: germline.
Comment: Variant summary: DSC2 c.70-11dupT alters a non-conserved nucleotide located at a position not widely known to affect splicing. Consensus agreement among computation tools predict no significant impact on normal splicing. However, these predictions have yet to be confirmed by functional studies. The variant allele was found at a frequency of 5.9e-05 in 1536666 control chromosomes, predominantly at a frequency of 0.00029 within the African or African-American subpopulation in the gnomAD database. The observed variant frequency within African or African-American control individuals in the gnomAD database is approximately 1.78 fold of the estimated maximal expected allele frequency for a pathogenic variant in DSC2 causing Arrhythmogenic Right Ventricular Dysplasia/Cardiomyopathy phenotype (0.00016). To our knowledge, no occurrence of c.70-11dupT in individuals affected with Arrhythmogenic Right Ventricular Dysplasia/Cardiomyopathy and no experimental evidence demonstrating its impact on protein function have been reported. ClinVar contains an entry for this variant (Variation ID: 918626). Based on the evidence outlined above, the variant was classified as benign.

All of Us Research Program, National Institutes of Health
Classification: Likely benign for Familial isolated arrhythmogenic right ventricular dysplasia. Last evaluated: 2023-09-17. Review status: criteria provided, single submitter. Criteria: ACMG Guidelines, 2015. Collection method: clinical testing. Allele origin: germline. Inheritance: Autosomal dominant inheritance. Observed: 3 variant alleles, 3 heterozygotes.
Comment: This study involves interpretation of variants in research participants for the purpose of population health screening. Participant phenotype was not available at the time of variant classification. Additional details can be found in publication PMID: 35346344, PMCID: PMC8962531

Color Diagnostics, LLC DBA Color Health
Classification: Likely benign for Cardiomyopathy. Last evaluated: 2018-11-14. Review status: criteria provided, single submitter. Criteria: ACMG Guidelines, 2015. Collection method: clinical testing. Allele origin: germline.

NM_024422.6(DSC2):c.70-18dup

Gene: DSC2 (desmocollin 2; minus strand). Cytogenetic location: 18q12.1.
Variant type: Duplication.
Coding change: c.70-18dup on transcript NM_024422.6 (MANE Select); 18 bases into the intron before coding-DNA position 70, one base duplicated (T; older notation c.70-18dupT).
Molecular consequence: intron variant.
Genome position (GRCh38, 1-based): chr18:31,093,654, A duplicated on the plus strand (T on the coding strand, the reverse complement: DSC2 is on the minus strand); the first of 8 consecutive A bases (chr18:31,093,654-31,093,661); duplicating any one gives the same sequence. VCF-style (leftmost placement, unchanged base first): chr18-31093653-G-GA. GRCh37 (hg19) VCF-style: chr18-28673616-G-GA.
Other names: c.70-18dup (NM_004949.5); c.70-11dupT (NM_024422.6).
Identifiers: ClinVar variation 918626 (VCV000918626.12), dbSNP rs572309510, ClinGen allele CA8924799.